The following is an entry in ClinVar:

ClinVar aggregate classification (germline): Pathogenic (1 of 4 stars; one submission).

Conditions:
Hereditary nonpolyposis colorectal neoplasms. Identifiers: MedGen C0009405, MeSH D003123.

Submission:

Labcorp Genetics (formerly Invitae), Labcorp
Classification: Pathogenic for Hereditary nonpolyposis colorectal neoplasms. Last evaluated: 2019-08-18. Review status: criteria provided, single submitter. Criteria: Invitae Variant Classification Sherloc (09022015). Collection method: clinical testing. Allele origin: germline.
Comment: For these reasons, this variant has been classified as Pathogenic. Loss-of-function variants in MSH6 are known to be pathogenic (PMID: 18269114, 24362816). This variant has not been reported in the literature in individuals with MSH6-related conditions. This variant is not present in population databases (ExAC no frequency). This sequence change creates a premature translational stop signal (p.Phe560Alafs*12) in the MSH6 gene. It is expected to result in an absent or disrupted protein product.

Literature cited by the submitters: PubMed 18269114; PubMed 24362816.

NM_000179.3(MSH6):c.1675_1676dup (p.Phe560fs)

Gene: MSH6 (mutS homolog 6; plus strand). Cytogenetic location: 2p16.3.
Variant type: Microsatellite.
Coding change: c.1675_1676dup on transcript NM_000179.3 (MANE Select); coding-DNA positions 1675 to 1676, 2 bases duplicated (TG; older notation c.1675_1676dupTG).
Protein change: p.Phe560fs; shifts the reading frame from phenylalanine 560.
Molecular consequence: frameshift variant.
Genome position (GRCh38, 1-based): chr2:47,799,658-47,799,659, TG duplicated; duplicating any 2 consecutive bases within chr2:47,799,653-47,799,659 gives the same sequence; the c. name uses the placement nearest the transcript's 3' end. VCF-style (leftmost placement, unchanged base first): chr2-47799652-G-GGT. GRCh37 (hg19) VCF-style: chr2-48026791-G-GGT.
Other names: c.1285_1286dup, p.Phe430fs (NM_001281492.2); c.769_770dup, p.Phe258fs (NM_001281493.2, NM_001281494.2); short protein forms F560fs, F258fs, F430fs.
Identifiers: ClinVar variation 945352 (VCV000945352.8), dbSNP rs1669360293, ClinGen allele CA2496048892.